The following is an entry in ClinVar:

ClinVar aggregate classification (germline): Likely benign (1 of 4 stars; one submission).

Allele frequency attached by ClinVar (database versions not stated): gnomAD exomes below 0.00001.
gnomAD v4.1: 1 of 1,614,268 alleles (0.000062%); highest among the groups gnomAD compares: Middle Eastern, 0.016%; no homozygotes.

Submission:

CeGaT Center for Human Genetics Tuebingen
Classification: Likely benign. Last evaluated: 2022-11-01. Review status: criteria provided, single submitter. Criteria: CeGaT Center For Human Genetics Tuebingen Variant Classification Criteria Version 2. Collection method: clinical testing. Allele origin: germline. Affected: yes. Observed: 1 variant allele.
Comment: DYNC1H1: PM2:Supporting, BP4, BP5

NM_001376.5(DYNC1H1):c.11511C>T (p.His3837=)

Gene: DYNC1H1 (dynein cytoplasmic 1 heavy chain 1; plus strand). Cytogenetic location: 14q32.31.
Variant type: single nucleotide variant.
Coding change: c.11511C>T on transcript NM_001376.5 (MANE Select); coding-DNA position 11511, C replaced by T.
Protein change: p.His3837=; no amino-acid change (histidine 3837 retained).
Molecular consequence: synonymous variant.
Genome position (GRCh38, 1-based): chr14:102,039,462, C>T. VCF-style: chr14-102039462-C-T. GRCh37 (hg19) VCF-style: chr14-102505799-C-T.
Identifiers: ClinVar variation 1879290 (VCV001879290.29), dbSNP rs1283576620, ClinGen allele CA488186136.